The following is an entry in ClinVar:

ClinVar aggregate classification (germline): Uncertain significance (1 of 4 stars; one submission).

Conditions:
Glycogen storage disease, type II (IOPD). Also called: Pompe Disease; Glucosidase acid-1,4-alpha deficiency; CARDIOMEGALIA GLYCOGENICA DIFFUSA; POMPE DISEASE, INFANTILE-ONSET; GLYCOGEN STORAGE DISEASE II, INFANTILE-ONSET; ACID ALPHA-GLUCOSIDASE DEFICIENCY, INFANTILE-ONSET. Identifiers: Orphanet 365, MedGen C0017921, MONDO:0009290, OMIM 232300.

Submission:

Labcorp Genetics (formerly Invitae), Labcorp
Classification: Uncertain significance for Glycogen storage disease, type II. Last evaluated: 2022-07-29. Review status: criteria provided, single submitter. Criteria: Invitae Variant Classification Sherloc (09022015). Collection method: clinical testing. Allele origin: germline.
Comment: In summary, the available evidence is currently insufficient to determine the role of this variant in disease. Therefore, it has been classified as a Variant of Uncertain Significance. Experimental studies and prediction algorithms are not available or were not evaluated, and the functional significance of this variant is currently unknown. This variant has not been reported in the literature in individuals affected with GAA-related conditions. This variant is not present in population databases (gnomAD no frequency). This variant, c.1138_1140del, results in the deletion of 1 amino acid(s) of the GAA protein (p.Ser380del), but otherwise preserves the integrity of the reading frame.

NM_000152.5(GAA):c.1135TCC[1] (p.Ser380del)

Gene: GAA (alpha glucosidase; plus strand). Cytogenetic location: 17q25.3.
Variant type: Microsatellite.
Coding change: c.1135TCC[1] on transcript NM_000152.5 (MANE Select); one copy of the 3-base unit TCC starting at c.1135; the reference has two copies in a row; one copy, 3 bases deleted.
Protein change: p.Ser380del; deletes serine 380.
Molecular consequence: inframe deletion. On other transcripts: inframe indel (2).
Genome position (GRCh38, 1-based): chr17:80,108,551-80,108,553, TCC deleted; deleting any 3 consecutive bases within chr17:80,108,547-80,108,553 gives the same sequence; the position shown is the placement nearest the transcript's 3' end. VCF-style (leftmost placement, unchanged base first): chr17-80108546-ACTC-A. GRCh37 (hg19) VCF-style: chr17-78082345-ACTC-A.
Other names: c.1135TCC[1], p.Ser380del (NM_001079803.3, NM_001079804.3); c.1135_1137TCC[1], p.Ser380del (NM_001406741.1, NM_001406742.1); short protein forms S380del.
Identifiers: ClinVar variation 2020259 (VCV002020259.4), dbSNP rs2510363549, ClinGen allele CA2580612671.